The following is an entry in ClinVar:

NM_001005242.3(PKP2):c.459C>G (p.Asp153Glu)

Gene: PKP2 (plakophilin 2; minus strand). Cytogenetic location: 12p11.21.
Variant type: single nucleotide variant.
Coding change: c.459C>G on transcript NM_001005242.3 (MANE Select); coding-DNA position 459, C replaced by G.
Protein change: p.Asp153Glu; replaces aspartic acid 153 with glutamic acid.
Molecular consequence: missense variant.
Genome position (GRCh38, 1-based): chr12:32,878,421, G>C on the plus strand (C>G on the coding strand, the complement: PKP2 is on the minus strand). VCF-style: chr12-32878421-G-C. GRCh37 (hg19) VCF-style: chr12-33031355-G-C.
Other names: c.459C>G, p.Asp153Glu (NM_001407155.1, NM_001407156.1, NM_001407157.1 and 2 more transcripts); c.132C>G, p.Asp44Glu (NM_001407158.1, NM_001407159.1, NM_001407160.1 and 1 more transcripts); short protein forms D44E, D153E.
Identifiers: ClinVar variation 1741758 (VCV001741758.3), dbSNP rs1273000081, ClinGen allele CA384365168.
Genomic context (GRCh38, chr12:32,878,421, plus strand): 5'-CTGGCTTCTCTGGCTGTACTGGTAATCGCTGTGCGTGTAGTGAGCCCTCTCCGGGCTGCT[G>C]TCAGGAGAAATCTCCAGTCTCCTCAGAGGATGCCTCAAGGACCTTTCTTCCACGGACTTC-3'
Protein context (NP_001005242.2, residues 143-163): HPLRRLEISP[Asp153Glu]SSPERAHYTH

ClinVar aggregate classification (germline): Uncertain significance. Review status: criteria provided, multiple submitters, no conflicts (2 of 4 stars). 2 submissions from 2 submitters: Uncertain significance (2). Last evaluated 2024-06-09.

Conditions:
Cardiovascular phenotype. Identifiers: MedGen CN230736.
Arrhythmogenic right ventricular cardiomyopathy (ARVD). Also called: Cardiomyopathy, ARVC; Arrhythmogenic right ventricular dysplasia; Arrhythmogenic cardiomyopathy; Arrhythmogenic Right Ventricular Cardiomyopathy (ARVC). Identifiers: Orphanet 247, MedGen C0349788, MeSH D019571, MONDO:0016587. Disease mechanism: loss of function. Inheritance: Various modes of inheritance.

Allele frequency attached by ClinVar (database versions not stated): gnomAD exomes below 0.00001; TOPMed 0.00001.
gnomAD v4.1: 4 of 1,614,086 alleles (0.00025%); highest among the groups gnomAD compares: East Asian, 0.0045%; no homozygotes.

Submissions (2):

All of Us Research Program, National Institutes of Health
Classification: Uncertain significance for Arrhythmogenic right ventricular cardiomyopathy. Last evaluated: 2024-06-09. Review status: criteria provided, single submitter. Criteria: ACMG Guidelines, 2015. Collection method: clinical testing. Allele origin: germline. Inheritance: Autosomal dominant inheritance. Observed: 1 variant allele, 1 heterozygote.
Comment: This missense variant replaces aspartic acid with glutamic acid at codon 153 of the PKP2 protein. Computational prediction suggests that this variant may not impact protein structure and function (internally defined REVEL score threshold <= 0.5, PMID: 27666373). To our knowledge, functional studies have not been reported for this variant. This variant has not been reported in individuals affected with PKP2-related disorders in the literature. This variant has been identified in 1/251440 chromosomes in the general population by the Genome Aggregation Database (gnomAD). The available evidence is insufficient to determine the role of this variant in disease conclusively. Therefore, this variant is classified as a Variant of Uncertain Significance.

This study involves interpretation of variants in research participants for the purpose of population health screening. Participant phenotype was not available at the time of variant classification. Additional details can be found in publication PMID: 35346344, PMCID: PMC8962531

Ambry Genetics
Classification: Uncertain significance for Cardiovascular phenotype. Last evaluated: 2021-04-12. Review status: criteria provided, single submitter. Criteria: Ambry Variant Classification Scheme 2023. Collection method: clinical testing. Allele origin: germline.
Comment: The p.D153E variant (also known as c.459C>G), located in coding exon 3 of the PKP2 gene, results from a C to G substitution at nucleotide position 459. The aspartic acid at codon 153 is replaced by glutamic acid, an amino acid with highly similar properties. This amino acid position is not well conserved in available vertebrate species. In addition, this alteration is predicted to be tolerated by in silico analysis. Since supporting evidence is limited at this time, the clinical significance of this alteration remains unclear.